The following is an entry in ClinVar:

NM_002180.3(IGHMBP2):c.1193C>A (p.Ala398Glu)

Gene: IGHMBP2 (immunoglobulin mu DNA binding protein 2; plus strand). Cytogenetic location: 11q13.3.
Variant type: single nucleotide variant.
Coding change: c.1193C>A on transcript NM_002180.3 (MANE Select); coding-DNA position 1193, C replaced by A.
Protein change: p.Ala398Glu; replaces alanine 398 with glutamic acid.
Molecular consequence: missense variant.
Genome position (GRCh38, 1-based): chr11:68,929,315, C>A. VCF-style: chr11-68929315-C-A. GRCh37 (hg19) VCF-style: chr11-68696783-C-A.
Other names: short protein forms A398E.
Identifiers: ClinVar variation 243080 (VCV000243080.2), dbSNP rs35193202, ClinGen allele CA10584086.

ClinVar aggregate classification (germline): Conflicting classifications of pathogenicity. Review status: criteria provided, conflicting classifications (1 of 4 stars). 2 submissions from 2 submitters: Likely pathogenic (1); Uncertain significance (1). Last evaluated 2025-05-14.

Conditions:
Autosomal recessive distal spinal muscular atrophy 1. Also called: HMN VI; NEURONOPATHY, SEVERE INFANTILE AXONAL, WITH RESPIRATORY FAILURE; NEURONOPATHY, DISTAL HEREDITARY MOTOR, HARDING TYPE VI; NEUROPATHY, DISTAL HEREDITARY MOTOR, AUTOSOMAL RECESSIVE 1; SEVERE INFANTILE AXONAL NEUROPATHY WITH RESPIRATORY FAILURE; SPINAL MUSCULAR ATROPHY, DIAPHRAGMATIC. Identifiers: Orphanet 98920, MedGen C1858517, MONDO:0011436, OMIM 604320.

Submissions (2):

Women's Health and Genetics/Laboratory Corporation of America, LabCorp
Classification: Uncertain significance. Last evaluated: 2025-05-14. Review status: criteria provided, single submitter. Criteria: LabCorp Variant Classification Summary - May 2015. Collection method: clinical testing. Allele origin: germline.
Comment: Variant summary: IGHMBP2 c.1193C>A (p.Ala398Glu) results in a non-conservative amino acid change in the encoded protein sequence. Algorithms developed to predict the effect of missense changes on protein structure and function all suggest that this variant is likely to be disruptive. The variant was absent in 250856 control chromosomes. The available data on variant occurrences in the general population are insufficient to allow any conclusion about variant significance. c.1193C>A has been observed in individual(s) affected with CMT-like peripheral neuropathy (example: Gonzaga-Jauregui_2015). These report(s) do not provide unequivocal conclusions about association of the variant with Charcot-Marie-Tooth disease axonal type 2S. To our knowledge, no experimental evidence demonstrating an impact on protein function has been reported. The following publication has been ascertained in the context of this evaluation (PMID: 26257172). ClinVar contains an entry for this variant (Variation ID: 243080). Based on the evidence outlined above, the variant was classified as uncertain significance.

Lupski Lab, Baylor-Hopkins CMG, Baylor College of Medicine
Classification: Likely pathogenic for Autosomal recessive distal spinal muscular atrophy 1. Last evaluated: 2015-08-18. Review status: criteria provided, single submitter. Criteria: Gonzaga-Jauregui et al. (Cell Rep. 2015). Collection method: research. Allele origin: germline. Inheritance: Autosomal recessive inheritance. Affected: yes. Observed: 1 variant allele.
Comment: Likely pathogenic based on prediction scores (SIFT, MutationTaster).

Literature cited by the submitters: PubMed 26257172 (cited by Women's Health and Genetics/Laboratory Corporation of America, LabCorp).